The following is an entry in ClinVar:

NM_002454.3(MTRR):c.1515A>G (p.Ile505Met)

Gene: MTRR (5-methyltetrahydrofolate-homocysteine methyltransferase reductase; plus strand). Cytogenetic location: 5p15.31.
Variant type: single nucleotide variant.
Coding change: c.1515A>G on transcript NM_002454.3 (MANE Select); coding-DNA position 1515, A replaced by G.
Protein change: p.Ile505Met; replaces isoleucine 505 with methionine.
Molecular consequence: missense variant. On other transcripts: non-coding transcript variant (14).
Genome position (GRCh38, 1-based): chr5:7,892,871, A>G. VCF-style: chr5-7892871-A-G. GRCh37 (hg19) VCF-style: chr5-7892984-A-G.
Other names: c.1515A>G, p.Ile505Met (NM_001364440.2, NM_001364441.2, NM_001364442.2 and 1 more transcripts); short protein forms I505M.
Identifiers: ClinVar variation 2199793 (VCV002199793.1), dbSNP rs201376855, ClinGen allele CA3195962.
Genomic context (GRCh38, chr5:7,892,871, plus strand): 5'-GAAGGGAGTATGTACAGGCTGGCTGGCCTTGTTGGTTGCTTCAGTTCTTCAGCCAAACAT[A>G]CATGCATCCCATGAAGACAGCGGGAAAGCCCTGGCTCCTAAGGTAAGAAATTAGTACCTT-3'
Protein context (NP_002445.2, residues 495-515): LLVASVLQPN[Ile505Met]HASHEDSGKA

ClinVar aggregate classification (germline): Uncertain significance (1 of 4 stars; one submission).

Conditions:
Methylcobalamin deficiency type cblE (HMAE). Also called: VITAMIN B12-RESPONSIVE HOMOCYSTINURIA, cblE TYPE; HOMOCYSTINURIA-MEGALOBLASTIC ANEMIA, cblE COMPLEMENTATION TYPE; HOMOCYSTINURIA-MEGALOBLASTIC ANEMIA, cblE TYPE. Identifiers: Orphanet 2169, Orphanet 622, MedGen C1856057, MONDO:0009354, OMIM 236270.

Allele frequency attached by ClinVar (database versions not stated): gnomAD exomes 0.00001; gnomAD 0.00006; 1000 Genomes Project 30x 0.00047; 1000 Genomes Project 0.00060.

Submission:

Labcorp Genetics (formerly Invitae), Labcorp
Classification: Uncertain significance for Methylcobalamin deficiency type cblE. Last evaluated: 2022-04-15. Review status: criteria provided, single submitter. Criteria: Invitae Variant Classification Sherloc (09022015). Collection method: clinical testing. Allele origin: germline.
Comment: This sequence change replaces isoleucine, which is neutral and non-polar, with methionine, which is neutral and non-polar, at codon 505 of the MTRR protein (p.Ile505Met). This variant is present in population databases (rs201376855, gnomAD 0.1%). This variant has not been reported in the literature in individuals affected with MTRR-related conditions. Algorithms developed to predict the effect of missense changes on protein structure and function output the following: SIFT: "Tolerated"; PolyPhen-2: "Benign"; Align-GVGD: "Class C0". The methionine amino acid residue is found in multiple mammalian species, which suggests that this missense change does not adversely affect protein function. In summary, the available evidence is currently insufficient to determine the role of this variant in disease. Therefore, it has been classified as a Variant of Uncertain Significance.